The following is an entry in ClinVar:

NM_025099.6(CTC1):c.1008G>A (p.Met336Ile)

Gene: CTC1 (CST telomere replication complex component 1; minus strand). Cytogenetic location: 17p13.1.
Variant type: single nucleotide variant.
Coding change: c.1008G>A on transcript NM_025099.6 (MANE Select); coding-DNA position 1008, G replaced by A.
Protein change: p.Met336Ile; replaces methionine 336 with isoleucine.
Molecular consequence: missense variant. On other transcripts: non-coding transcript variant (1).
Genome position (GRCh38, 1-based): chr17:8,236,127, C>T on the plus strand (G>A on the coding strand, the complement: CTC1 is on the minus strand). VCF-style: chr17-8236127-C-T. GRCh37 (hg19) VCF-style: chr17-8139445-C-T.
Other names: c.1008G>A, p.Met336Ile (NM_001411067.1); short protein forms M336I.
Identifiers: ClinVar variation 4749784 (VCV004749784.1).
Genomic context (GRCh38, chr17:8,236,127, plus strand): 5'-TAGGAGTCTAGAATACCGGACAAGACTTTCTGGATCCTTCTTGTCCTCCGAGTTGCTGGG[C>T]ATGGGGAGTGGCTTGGGGTCAGCCTCTAAGAGGGGTCCTTCCAGCTCCAGTTCCAGCTCC-3'
Protein context (NP_079375.3, residues 326-346): LLEADPKPLP[Met336Ile]PSNSEDKKDP

ClinVar aggregate classification (germline): Uncertain significance (1 of 4 stars; one submission).

Conditions:
Dyskeratosis congenita. Identifiers: Orphanet 1775, MedGen C0265965, MONDO:0015780.

Submission:

Labcorp Genetics (formerly Invitae), Labcorp
Classification: Uncertain significance for Dyskeratosis congenita. Last evaluated: 2025-02-09. Review status: criteria provided, single submitter. Criteria: Invitae Variant Classification Sherloc (09022015). Collection method: clinical testing. Allele origin: germline.
Comment: This sequence change replaces methionine, which is neutral and non-polar, with isoleucine, which is neutral and non-polar, at codon 336 of the CTC1 protein (p.Met336Ile). This variant is not present in population databases (gnomAD no frequency). This variant has not been reported in the literature in individuals affected with CTC1-related conditions. An algorithm developed to predict the effect of missense changes on protein structure and function outputs the following: PolyPhen-2: "Benign". The isoleucine amino acid residue is found in multiple mammalian species, which suggests that this missense change does not adversely affect protein function. In summary, the available evidence is currently insufficient to determine the role of this variant in disease. Therefore, it has been classified as a Variant of Uncertain Significance.